The following is an entry in ClinVar:

NM_001271.4(CHD2):c.4458C>T (p.Leu1486=)

Gene: CHD2 (chromodomain helicase DNA binding protein 2; plus strand). Cytogenetic location: 15q26.1.
Variant type: single nucleotide variant.
Coding change: c.4458C>T on transcript NM_001271.4 (MANE Select); coding-DNA position 4458, C replaced by T.
Protein change: p.Leu1486=; no amino-acid change (leucine 1486 retained).
Molecular consequence: synonymous variant.
Genome position (GRCh38, 1-based): chr15:93,009,189, C>T. VCF-style: chr15-93009189-C-T. GRCh37 (hg19) VCF-style: chr15-93552419-C-T.
Identifiers: ClinVar variation 517676 (VCV000517676.17), dbSNP rs772169751, ClinGen allele CA7748481.

ClinVar aggregate classification (germline): Likely benign. Review status: criteria provided, multiple submitters, no conflicts (2 of 4 stars). 4 submissions from 4 submitters: Likely benign (3). 1 of the submissions does not count toward it. Last evaluated 2026-01-05.

Conditions:
CHD2-related disorder. Also called: CHD2-related condition.
Inborn genetic diseases. Identifiers: MedGen C0950123, MeSH D030342.
Developmental and epileptic encephalopathy 94 (DEE94). Also called: Epileptic encephalopathy, childhood-onset; CHD2-Related Neurodevelopmental Disorders. Identifiers: Orphanet 1942, Orphanet 2382, MedGen C3809278, MONDO:0014150, OMIM 615369.

Allele frequency attached by ClinVar (database versions not stated): TOPMed 0.00002; gnomAD 0.00004 and 0.00005; gnomAD exomes 0.00005 and 0.00009; ExAC 0.00011.
gnomAD v4.1: 82 of 1,614,036 alleles (0.0051%); highest among the groups gnomAD compares: South Asian, 0.061%; no homozygotes.

Submissions (4):

Labcorp Genetics (formerly Invitae), Labcorp
Classification: Likely benign for Developmental and epileptic encephalopathy 94. Last evaluated: 2026-01-05. Review status: criteria provided, single submitter. Criteria: Invitae Variant Classification Sherloc (09022015). Collection method: clinical testing. Allele origin: germline.

GeneDx
Classification: Likely benign. Last evaluated: 2018-09-13. Review status: criteria provided, single submitter. Criteria: GeneDx Variant Classification Process June 2021. Collection method: clinical testing. Allele origin: germline. Affected: yes.

Ambry Genetics
Classification: Likely benign for Inborn genetic diseases. Last evaluated: 2017-09-18. Review status: criteria provided, single submitter. Criteria: Ambry Variant Classification Scheme 2023. Collection method: clinical testing. Allele origin: germline.

PreventionGenetics, part of Exact Sciences
Classification: Likely benign for CHD2-related condition. Last evaluated: 2019-09-23. Review status: no assertion criteria provided. Collection method: clinical testing. Allele origin: germline. Not counted in ClinVar's aggregate classification.
Comment: This variant is classified as likely benign based on ACMG/AMP sequence variant interpretation guidelines (Richards et al. 2015 PMID: 25741868, with internal and published modifications).